The following is an entry in ClinVar:

ClinVar aggregate classification (germline): Pathogenic (1 of 4 stars; one submission).

Conditions:
Sotos syndrome (SOTOS). Also called: CEREBRAL GIGANTISM; Sotos' syndrome; Distinctive facial appearance, overgrowth in childhood, and learning disabilities or delayed development; CHROMOSOME 5q35 DELETION SYNDROME; SOTOS SYNDROME 1. Identifiers: Orphanet 821, MedGen C0175695, MONDO:0019349, OMIM 117550.

Submission:

Clinical Genetics Laboratory, Skane University Hospital Lund
Classification: Pathogenic for Sotos syndrome. Last evaluated: 2026-01-15. Review status: criteria provided, single submitter. Criteria: ACMG Guidelines, 2015. Collection method: clinical testing. Allele origin: de novo. Inheritance: Autosomal dominant inheritance. Affected: yes.
Comment: PVS1, PS2, PS4_Supporting and PM2.

NM_022455.5(NSD1):c.3356del (p.Pro1119fs)

Gene: NSD1 (nuclear receptor binding SET domain protein 1; plus strand). Cytogenetic location: 5q35.3.
Variant type: Deletion.
Coding change: c.3356del on transcript NM_022455.5 (MANE Select); coding-DNA position 3356, one base deleted (C; older notation c.3356delC).
Protein change: p.Pro1119fs; shifts the reading frame from proline 1119.
Molecular consequence: frameshift variant.
Genome position (GRCh38, 1-based): chr5:177,211,755, C deleted; the last of 2 consecutive C bases (chr5:177,211,754-177,211,755); deleting either gives the same sequence. VCF-style (leftmost placement, unchanged base first): chr5-177211753-TC-T. GRCh37 (hg19) VCF-style: chr5-176638754-TC-T.
Other names: c.2483del, p.Pro828fs (NM_001409308.1, NM_001409309.1, NM_172349.5 and 3 more transcripts); c.3356del, p.Pro1119fs (NM_001409301.1, NM_001409302.1, NM_001409303.1); c.2936del, p.Pro979fs (NM_001409304.1); c.2603del, p.Pro868fs (NM_001409305.1); short protein forms P1119fs, P828fs, P868fs, P979fs.
Identifiers: ClinVar variation 4685518 (VCV004685518.1).